The following is an entry in ClinVar:

ClinVar aggregate classification (germline): Conflicting classifications of pathogenicity. Review status: criteria provided, conflicting classifications (1 of 4 stars). 5 submissions from 5 submitters: Uncertain significance (4); Likely benign (1). Last evaluated 2025-05-14.

Conditions:
Familial thoracic aortic aneurysm and aortic dissection (TAAD). Also called: Thoracic aortic aneurysms and dissections. Identifiers: Orphanet 91387, MedGen C4707243, MONDO:0019625.
Aneurysm-osteoarthritis syndrome. Also called: LOEYS-DIETZ SYNDROME WITH OSTEOARTHRITIS; SMAD3-Related Loeys-Dietz Syndrome; Loeys-Dietz syndrome, type 1C; ANEURYSMS-OSTEOARTHRITIS SYNDROME. Identifiers: Orphanet 284984, MedGen C3151087, MONDO:0013426, OMIM 613795.

Allele frequency attached by ClinVar (database versions not stated): TOPMed below 0.00001; gnomAD exomes 0.00001 and 0.00003; ExAC 0.00002.
gnomAD v4.1: 7 of 1,613,370 alleles (0.00043%); highest among the groups gnomAD compares: Admixed American, 0.012%; no homozygotes.

Submissions (5):

Ambry Genetics
Classification: Uncertain significance for Familial thoracic aortic aneurysm and aortic dissection. Last evaluated: 2025-05-14. Review status: criteria provided, single submitter. Criteria: Ambry Variant Classification Scheme 2023. Collection method: clinical testing. Allele origin: germline.

GeneDx
Classification: Uncertain significance. Last evaluated: 2025-03-31. Review status: criteria provided, single submitter. Criteria: GeneDx Variant Classification Process June 2021. Collection method: clinical testing. Allele origin: germline. Affected: yes.
Comment: In silico analysis supports that this missense variant has a deleterious effect on protein structure/function; Has not been previously published as pathogenic or benign to our knowledge

Labcorp Genetics (formerly Invitae), Labcorp
Classification: Likely benign for Familial thoracic aortic aneurysm and aortic dissection. Last evaluated: 2025-03-20. Review status: criteria provided, single submitter. Criteria: Invitae Variant Classification Sherloc (09022015). Collection method: clinical testing. Allele origin: germline.

All of Us Research Program, National Institutes of Health
Classification: Uncertain significance for Aneurysm-osteoarthritis syndrome. Last evaluated: 2024-05-30. Review status: criteria provided, single submitter. Criteria: ACMG Guidelines, 2015. Collection method: clinical testing. Allele origin: germline. Inheritance: Autosomal dominant inheritance. Observed: 3 variant alleles, 3 heterozygotes.
Comment: This missense variant replaces histidine with glutamine at codon 327 of the SMAD3 protein. Computational prediction suggests that this variant may have a deleterious impact on protein structure and function (internally defined REVEL score threshold >= 0.7, PMID: 27666373). To our knowledge, functional studies have not been reported for this variant. This variant has not been reported in individuals affected with SMAD3-related disorders in the literature. This variant has been identified in 8/251390 chromosomes in the general population by the Genome Aggregation Database (gnomAD). The available evidence is insufficient to determine the role of this variant in disease conclusively. Therefore, this variant is classified as a Variant of Uncertain Significance.

This study involves interpretation of variants in research participants for the purpose of population health screening. Participant phenotype was not available at the time of variant classification. Additional details can be found in publication PMID: 35346344, PMCID: PMC8962531

Color Diagnostics, LLC DBA Color Health
Classification: Uncertain significance for Familial thoracic aortic aneurysm and aortic dissection. Last evaluated: 2024-03-06. Review status: criteria provided, single submitter. Criteria: ACMG Guidelines, 2015. Collection method: clinical testing. Allele origin: germline.
Comment: This missense variant replaces histidine with glutamine at codon 327 of the SMAD3 protein. Computational prediction suggests that this variant may have a deleterious impact on protein structure and function (internally defined REVEL score threshold >= 0.7, PMID: 27666373). To our knowledge, functional studies have not been reported for this variant. This variant has not been reported in individuals affected with SMAD3-related disorders in the literature. This variant has been identified in 8/251390 chromosomes in the general population by the Genome Aggregation Database (gnomAD). The available evidence is insufficient to determine the role of this variant in disease conclusively. Therefore, this variant is classified as a Variant of Uncertain Significance.

NM_005902.4(SMAD3):c.981C>G (p.His327Gln)

Gene: SMAD3 (SMAD family member 3; plus strand). Cytogenetic location: 15q22.33.
Variant type: single nucleotide variant.
Coding change: c.981C>G on transcript NM_005902.4 (MANE Select); coding-DNA position 981, C replaced by G.
Protein change: p.His327Gln; replaces histidine 327 with glutamine.
Molecular consequence: missense variant.
Genome position (GRCh38, 1-based): chr15:67,184,836, C>G. VCF-style: chr15-67184836-C-G. GRCh37 (hg19) VCF-style: chr15-67477174-C-G.
Other names: c.666C>G, p.His222Gln (NM_001145102.2); c.849C>G, p.His283Gln (NM_001145103.2); c.396C>G, p.His132Gln (NM_001145104.2); short protein forms H222Q, H283Q, H132Q, H327Q.
Identifiers: ClinVar variation 925436 (VCV000925436.11), dbSNP rs780274581, ClinGen allele CA062871.